The following is an entry in ClinVar:

ClinVar aggregate classification (germline): Uncertain significance (1 of 4 stars; one submission).

Conditions:
Inborn genetic diseases. Identifiers: MedGen C0950123, MeSH D030342.

Allele frequency attached by ClinVar (database versions not stated): gnomAD exomes below 0.00001.
gnomAD v4.1: 4 of 1,610,238 alleles (0.00025%); highest among the groups gnomAD compares: African/African-American, 0.0013%; no homozygotes.

Submission:

Ambry Genetics
Classification: Uncertain significance for Inborn genetic diseases. Last evaluated: 2021-10-22. Review status: criteria provided, single submitter. Criteria: Ambry Variant Classification Scheme 2023. Collection method: clinical testing. Allele origin: germline.
Comment: The p.R265W variant (also known as c.793C>T), located in coding exon 7 of the DST gene, results from a C to T substitution at nucleotide position 793. The arginine at codon 265 is replaced by tryptophan, an amino acid with dissimilar properties. This amino acid position is highly conserved in available vertebrate species. In addition, this alteration is predicted to be deleterious by in silico analysis. Since supporting evidence is limited at this time, the clinical significance of this alteration remains unclear.

NM_001374736.1(DST):c.892C>T (p.Arg298Trp)

Gene: DST (dystonin; minus strand). Cytogenetic location: 6p12.1.
Variant type: single nucleotide variant.
Coding change: c.892C>T on transcript NM_001374736.1 (MANE Select); coding-DNA position 892, C replaced by T.
Protein change: p.Arg298Trp; replaces arginine 298 with tryptophan.
Molecular consequence: missense variant.
Genome position (GRCh38, 1-based): chr6:56,701,950, G>A on the plus strand (C>T on the coding strand, the complement: DST is on the minus strand). VCF-style: chr6-56701950-G-A. GRCh37 (hg19) VCF-style: chr6-56566748-G-A.
Other names: c.793C>T, p.Arg265Trp (NM_001144769.5); c.379C>T, p.Arg127Trp (NM_001144770.2); c.892C>T, p.Arg298Trp (NM_001374722.1); c.259C>T, p.Arg87Trp (NM_001374729.1, NM_001374730.1, NM_001386100.1 and 1 more transcripts); c.919C>T, p.Arg307Trp (NM_001374734.1); short protein forms R265W, R87W, R307W, R127W, R298W.
Identifiers: ClinVar variation 1761314 (VCV001761314.2), dbSNP rs2099309834, ClinGen allele CA364618063.